The following is an entry in ClinVar:

ClinVar aggregate classification (germline): Conflicting classifications of pathogenicity. Review status: criteria provided, conflicting classifications (1 of 4 stars). 2 submissions from 2 submitters: Uncertain significance (1); Likely benign (1). Last evaluated 2025-05-15.

Conditions:
Shprintzen-Goldberg syndrome (SGS). Also called: SHPRINTZEN-GOLDBERG CRANIOSYNOSTOSIS SYNDROME; CRANIOSYNOSTOSIS WITH ARACHNODACTYLY AND ABDOMINAL HERNIAS; Marfanoid disorder with craniosynostosis type 1; Marfanoid craniosynostosis syndrome; Shprintzen-Goldberg marfanoid syndrome. Identifiers: Orphanet 2462, MedGen C1321551, MONDO:0008426, OMIM 182212.
Familial thoracic aortic aneurysm and aortic dissection (TAAD). Also called: Thoracic aortic aneurysms and dissections. Identifiers: Orphanet 91387, MedGen C4707243, MONDO:0019625.

Allele frequency attached by ClinVar (database versions not stated): gnomAD 0.00001.
gnomAD v4.1: 2 of 1,551,548 alleles (0.00013%); highest among the groups gnomAD compares: African/African-American, 0.0014%; no homozygotes.

Submissions (2):

Ambry Genetics
Classification: Uncertain significance for Familial thoracic aortic aneurysm and aortic dissection. Last evaluated: 2025-05-15. Review status: criteria provided, single submitter. Criteria: Ambry Variant Classification Scheme 2023. Collection method: clinical testing. Allele origin: germline.
Comment: The p.T505I variant (also known as c.1514C>T), located in coding exon 5 of the SKI gene, results from a C to T substitution at nucleotide position 1514. The threonine at codon 505 is replaced by isoleucine, an amino acid with similar properties. This amino acid position is conserved. In addition, the in silico prediction for this alteration is inconclusive. Based on the available evidence, the clinical significance of this variant remains unclear.

Labcorp Genetics (formerly Invitae), Labcorp
Classification: Likely benign for Shprintzen-Goldberg syndrome. Last evaluated: 2023-05-23. Review status: criteria provided, single submitter. Criteria: Invitae Variant Classification Sherloc (09022015). Collection method: clinical testing. Allele origin: germline.

NM_003036.4(SKI):c.1514C>T (p.Thr505Ile)

Gene: SKI (SKI proto-oncogene; plus strand). Cytogenetic location: 1p36.32.
Variant type: single nucleotide variant.
Coding change: c.1514C>T on transcript NM_003036.4 (MANE Select); coding-DNA position 1514, C replaced by T.
Protein change: p.Thr505Ile; replaces threonine 505 with isoleucine.
Molecular consequence: missense variant.
Genome position (GRCh38, 1-based): chr1:2,304,332, C>T. VCF-style: chr1-2304332-C-T. GRCh37 (hg19) VCF-style: chr1-2235771-C-T.
Other names: c.1514C>T (NM_003036.3); short protein forms T505I.
Identifiers: ClinVar variation 3009122 (VCV003009122.4), dbSNP rs1406949705, ClinGen allele CA337957091.